The following is an entry in ClinVar:

ClinVar aggregate classification (germline): Uncertain significance (1 of 4 stars; one submission).

Submission:

CeGaT Center for Human Genetics Tuebingen
Classification: Uncertain significance. Last evaluated: 2026-09-01. Review status: criteria provided, single submitter. Criteria: CeGaT Center For Human Genetics Tuebingen Variant Classification Criteria Version 2. Collection method: clinical testing. Allele origin: germline. Affected: yes. Observed: 1 variant allele.
Comment: L1CAM: PM2, BP4

NM_001278116.2(L1CAM):c.184A>G (p.Lys62Glu)

Gene: L1CAM (L1 cell adhesion molecule; minus strand). Cytogenetic location: Xq28.
Variant type: single nucleotide variant.
Coding change: c.184A>G on transcript NM_001278116.2 (MANE Select); coding-DNA position 184, A replaced by G.
Protein change: p.Lys62Glu; replaces lysine 62 with glutamic acid.
Molecular consequence: missense variant.
Genome position (GRCh38, 1-based): chrX:153,872,605, T>C on the plus strand (A>G on the coding strand, the complement: L1CAM is on the minus strand). VCF-style: chrX-153872605-T-C. GRCh37 (hg19) VCF-style: chrX-153138060-T-C.
Other names: c.184A>G, p.Lys62Glu (NM_000425.5, NM_024003.3); c.169A>G, p.Lys57Glu (NM_001143963.2); short protein forms K57E, K62E.
Identifiers: ClinVar variation 5041633 (VCV005041633.1).